The following is an entry in ClinVar:

NM_022489.4(INF2):c.2065C>T (p.Arg689Trp)

Gene: INF2 (inverted formin 2; plus strand). Cytogenetic location: 14q32.33.
Variant type: single nucleotide variant.
Coding change: c.2065C>T on transcript NM_022489.4 (MANE Select); coding-DNA position 2065, C replaced by T.
Protein change: p.Arg689Trp; replaces arginine 689 with tryptophan.
Molecular consequence: missense variant.
Genome position (GRCh38, 1-based): chr14:104,709,632, C>T. VCF-style: chr14-104709632-C-T. GRCh37 (hg19) VCF-style: chr14-105175969-C-T.
Other names: c.2065C>T, p.Arg689Trp (NM_001031714.4); short protein forms R689W.
Identifiers: ClinVar variation 1785284 (VCV001785284.5), dbSNP rs781255309, ClinGen allele CA7372817.

ClinVar aggregate classification (germline): Conflicting classifications of pathogenicity. Review status: criteria provided, conflicting classifications (1 of 4 stars). 2 submissions from 2 submitters: Uncertain significance (1); Likely benign (1). Last evaluated 2025-07-05.

Conditions:
Inborn genetic diseases. Identifiers: MedGen C0950123, MeSH D030342.
Focal segmental glomerulosclerosis 5 (FSGS5). Identifiers: Orphanet 656, MedGen C2750475, MONDO:0013191, OMIM 613237.
Charcot-Marie-Tooth disease dominant intermediate E. Also called: CHARCOT-MARIE-TOOTH NEUROPATHY WITH FOCAL SEGMENTAL GLOMERULONEPHRITIS. Identifiers: Orphanet 93114, MedGen C4302667, MONDO:0013758, OMIM 614455.

Allele frequency attached by ClinVar (database versions not stated): ExAC 0.00001; gnomAD 0.00001; gnomAD exomes 0.00001; TOPMed 0.00001.
gnomAD v4.1: 15 of 1,612,334 alleles (0.00093%); highest among the groups gnomAD compares: Admixed American, 0.0017%; no homozygotes.

Submissions (2):

Labcorp Genetics (formerly Invitae), Labcorp
Classification: Likely benign for Charcot-Marie-Tooth disease dominant intermediate E; Focal segmental glomerulosclerosis 5. Last evaluated: 2025-07-05. Review status: criteria provided, single submitter. Criteria: Invitae Variant Classification Sherloc (09022015). Collection method: clinical testing. Allele origin: germline.

Ambry Genetics
Classification: Uncertain significance for Inborn genetic diseases. Last evaluated: 2021-04-02. Review status: criteria provided, single submitter. Criteria: Ambry Variant Classification Scheme 2023. Collection method: clinical testing. Allele origin: germline.
Comment: The p.R689W variant (also known as c.2065C>T), located in coding exon 11 of the INF2 gene, results from a C to T substitution at nucleotide position 2065. The arginine at codon 689 is replaced by tryptophan, an amino acid with dissimilar properties. This variant was detected in an individual with focal segmental glomerulosclerosis (FSGS), who was compound heterozygous for INF p.R689W and a splice site variant in COL4A3 (Bullich G et al. Eur J Hum Genet, 2015 Sep;23:1192-9). This amino acid position is not well conserved in available vertebrate species. In addition, this alteration is predicted to be tolerated by in silico analysis. Since supporting evidence is limited at this time, the clinical significance of this alteration remains unclear.

Literature cited by the submitters: PubMed 25407002 (cited by Ambry Genetics).